The following is an entry in ClinVar:

ClinVar aggregate classification (germline): Uncertain significance (1 of 4 stars; one submission).

Allele frequency attached by ClinVar (database versions not stated): TOPMed below 0.00001.

Submission:

Labcorp Genetics (formerly Invitae), Labcorp
Classification: Uncertain significance. Last evaluated: 2024-10-23. Review status: criteria provided, single submitter. Criteria: Invitae Variant Classification Sherloc (09022015). Collection method: clinical testing. Allele origin: germline.
Comment: This sequence change replaces threonine, which is neutral and polar, with proline, which is neutral and non-polar, at codon 2595 of the VCAN protein (p.Thr2595Pro). This variant is not present in population databases (gnomAD no frequency). This variant has not been reported in the literature in individuals affected with VCAN-related conditions. ClinVar contains an entry for this variant (Variation ID: 1014834). An algorithm developed to predict the effect of missense changes on protein structure and function (PolyPhen-2) suggests that this variant is likely to be disruptive. In summary, the available evidence is currently insufficient to determine the role of this variant in disease. Therefore, it has been classified as a Variant of Uncertain Significance.

NM_004385.5(VCAN):c.7783A>C (p.Thr2595Pro)

Genes: VCAN (versican; plus strand), VCAN-AS1 (VCAN antisense RNA 1; minus strand). Cytogenetic location: 5q14.3.
Variant type: single nucleotide variant.
Coding change: c.7783A>C on transcript NM_004385.5 (MANE Select); coding-DNA position 7783, A replaced by C.
Protein change: p.Thr2595Pro; replaces threonine 2595 with proline.
Molecular consequence: missense variant. On other transcripts: intron variant (2).
Genome position (GRCh38, 1-based): chr5:83,540,786, A>C. VCF-style: chr5-83540786-A-C. GRCh37 (hg19) VCF-style: chr5-82836605-A-C.
Other names: c.4822A>C, p.Thr1608Pro (NM_001164097.2); c.4004-4751A>C (NM_001164098.2); c.1043-4751A>C (NM_001126336.3); short protein forms T1608P, T2595P.
Identifiers: ClinVar variation 1014834 (VCV001014834.8), dbSNP rs1746941117, ClinGen allele CA360315499.